The following is an entry in ClinVar:

NM_014806.5(RUSC2):c.652A>G (p.Ser218Gly)

Gene: RUSC2 (RUN and SH3 domain containing 2; plus strand). Cytogenetic location: 9p13.3.
Variant type: single nucleotide variant.
Coding change: c.652A>G on transcript NM_014806.5 (MANE Select); coding-DNA position 652, A replaced by G.
Protein change: p.Ser218Gly; replaces serine 218 with glycine.
Molecular consequence: missense variant. On other transcripts: non-coding transcript variant (1), intron variant (1).
Genome position (GRCh38, 1-based): chr9:35,547,173, A>G. VCF-style: chr9-35547173-A-G. GRCh37 (hg19) VCF-style: chr9-35547170-A-G.
Other names: c.652A>G, p.Ser218Gly (NM_001135999.2); c.-620-7887A>G (NM_001330740.2); short protein forms S218G.
Identifiers: ClinVar variation 1367383 (VCV001367383.8), dbSNP rs2132552320, ClinGen allele CA373328261.

ClinVar aggregate classification (germline): Uncertain significance (1 of 4 stars; one submission).

Allele frequency attached by ClinVar (database versions not stated): gnomAD exomes below 0.00001.
gnomAD v4.1: 1 of 1,614,186 alleles (0.000062%); highest among the groups gnomAD compares: Non-Finnish European, 0.000085%; no homozygotes.

Submission:

Labcorp Genetics (formerly Invitae), Labcorp
Classification: Uncertain significance. Last evaluated: 2022-11-15. Review status: criteria provided, single submitter. Criteria: Invitae Variant Classification Sherloc (09022015). Collection method: clinical testing. Allele origin: germline.
Comment: In summary, the available evidence is currently insufficient to determine the role of this variant in disease. Therefore, it has been classified as a Variant of Uncertain Significance. Algorithms developed to predict the effect of missense changes on protein structure and function (SIFT, PolyPhen-2, Align-GVGD) all suggest that this variant is likely to be tolerated. ClinVar contains an entry for this variant (Variation ID: 1367383). This variant has not been reported in the literature in individuals affected with RUSC2-related conditions. This variant is not present in population databases (gnomAD no frequency). This sequence change replaces serine, which is neutral and polar, with glycine, which is neutral and non-polar, at codon 218 of the RUSC2 protein (p.Ser218Gly).